The following is an entry in ClinVar:

NM_001110556.2(FLNA):c.2389G>A (p.Ala797Thr)

Gene: FLNA (filamin A; minus strand). Cytogenetic location: Xq28.
Variant type: single nucleotide variant.
Coding change: c.2389G>A on transcript NM_001110556.2 (MANE Select); coding-DNA position 2389, G replaced by A.
Protein change: p.Ala797Thr; replaces alanine 797 with threonine.
Molecular consequence: missense variant.
Genome position (GRCh38, 1-based): chrX:154,362,676, C>T on the plus strand (G>A on the coding strand, the complement: FLNA is on the minus strand). VCF-style: chrX-154362676-C-T. GRCh37 (hg19) VCF-style: chrX-153591044-C-T.
Other names: c.2389G>A, p.Ala797Thr (NM_001456.4); short protein forms A797T.
Identifiers: ClinVar variation 380416 (VCV000380416.15), dbSNP rs201073998, ClinGen allele CA10560948.

ClinVar aggregate classification (germline): Conflicting classifications of pathogenicity. Review status: criteria provided, conflicting classifications (1 of 4 stars). 4 submissions from 4 submitters: Uncertain significance (1); Benign (1); Likely benign (2). Last evaluated 2026-01-24.

Conditions:
Oto-palato-digital syndrome, type II (OPD2). Also called: FACIOPALATOOSSEOUS SYNDROME; OPD II SYNDROME; Otopalatodigital Syndrome Type 2 (FLNA-OPD2); Otopalatodigital Syndrome, Type II. Identifiers: Orphanet 669, Orphanet 90652, MedGen C1844696, MONDO:0010571, OMIM 304120.
Heterotopia, periventricular, X-linked dominant (PVNH1). Also called: PERIVENTRICULAR NODULAR HETEROTOPIA 1; X-linked periventricular heterotopia; PERIVENTRICULAR NODULAR HETEROTOPIA 4; HETEROTOPIA, PERIVENTRICULAR, 1. Identifiers: Orphanet 2149, Orphanet 82004, MedGen C1848213, MONDO:0010233, OMIM 300049.
Frontometaphyseal dysplasia (FMD1). Identifiers: Orphanet 1826, MedGen C0265293, MONDO:0015942.
Melnick-Needles syndrome (MNS). Also called: MELNICK-NEEDLES OSTEODYSPLASTY; OSTEODYSPLASTY OF MELNICK AND NEEDLES; Melnick-Needles Syndrome (FLNA-MNS). Identifiers: Orphanet 2484, MedGen C0025237, MONDO:0010650, OMIM 309350.
Familial thoracic aortic aneurysm and aortic dissection (TAAD). Also called: Thoracic aortic aneurysms and dissections. Identifiers: Orphanet 91387, MedGen C4707243, MONDO:0019625.

Allele frequency attached by ClinVar (database versions not stated): gnomAD exomes 0.00003 and 0.00008; gnomAD 0.00004; TOPMed 0.00006; ExAC 0.00007; ESP Exome Variant Server 0.00020.
gnomAD v4.1: 31 of 1,209,346 alleles (0.0026%); highest among the groups gnomAD compares: East Asian, 0.03%; no homozygotes.

Submissions (4):

Labcorp Genetics (formerly Invitae), Labcorp
Classification: Likely benign for Oto-palato-digital syndrome, type II; Heterotopia, periventricular, X-linked dominant; Frontometaphyseal dysplasia; Melnick-Needles syndrome. Last evaluated: 2026-01-24. Review status: criteria provided, single submitter. Criteria: Invitae Variant Classification Sherloc (09022015). Collection method: clinical testing. Allele origin: germline.

Women's Health and Genetics/Laboratory Corporation of America, LabCorp
Classification: Likely benign. Last evaluated: 2025-11-18. Review status: criteria provided, single submitter. Criteria: LabCorp Variant Classification Summary - May 2015. Collection method: clinical testing. Allele origin: germline.
Comment: Variant summary: FLNA c.2389G>A (p.Ala797Thr) results in a non-conservative amino acid change in the encoded protein sequence. Algorithms developed to predict the effect of missense changes on protein structure and function are either unavailable or do not agree on the potential impact of this missense change. The variant allele was found at a frequency of 8.4e-05 in 178309 control chromosomes. The observed variant frequency exceeds the estimated maximal expected allele frequency for disease-causing variants in FLNA. To our knowledge, no occurrence of c.2389G>A in individuals affected with FLNA-related conditions and no experimental evidence demonstrating its impact on protein function have been reported. ClinVar contains an entry for this variant (Variation ID: 380416). Based on the evidence outlined above, the variant was classified as likely benign.

Ambry Genetics
Classification: Benign for Familial thoracic aortic aneurysm and aortic dissection. Last evaluated: 2019-03-18. Review status: criteria provided, single submitter. Criteria: Ambry Variant Classification Scheme 2023. Collection method: clinical testing. Allele origin: germline.

GeneDx
Classification: Uncertain significance. Last evaluated: 2017-05-18. Review status: criteria provided, single submitter. Criteria: GeneDx Variant Classification (06012015). Collection method: clinical testing. Allele origin: germline. Affected: yes.
Comment: A variant of uncertain significance has been identified in the FLNA gene. The A797T variant has not been published as pathogenic or been reported as benign to our knowledge. This variant is not observed at a significant frequency in large population cohorts (Lek et al., 2016; 1000 Genomes Consortium et al., 2015; Exome Variant Server). The A797T variant is a non-conservative amino acid substitution, which is likely to impact secondary protein structure as these residues differ in polarity, charge, size and/or other properties. However, this substitution occurs at a position that is not conserved across species and where threonine is present as the wild type in multiple mammalian species. In silico analysis suggests that this variant likely does not alter the protein structure/function.